The following is an entry in ClinVar:

NM_004304.5(ALK):c.1689C>T (p.Asn563=)

Gene: ALK (ALK receptor tyrosine kinase; minus strand). Cytogenetic location: 2p23.2.
Variant type: single nucleotide variant.
Coding change: c.1689C>T on transcript NM_004304.5 (MANE Select); coding-DNA position 1689, C replaced by T.
Protein change: p.Asn563=; no amino-acid change (asparagine 563 retained).
Molecular consequence: synonymous variant.
Genome position (GRCh38, 1-based): chr2:29,297,016, G>A on the plus strand (C>T on the coding strand, the complement: ALK is on the minus strand). VCF-style: chr2-29297016-G-A. GRCh37 (hg19) VCF-style: chr2-29519882-G-A.
Identifiers: ClinVar variation 412925 (VCV000412925.41), dbSNP rs565743321, ClinGen allele CA1594558.

ClinVar aggregate classification (germline): Benign/Likely benign. Review status: criteria provided, multiple submitters, no conflicts (2 of 4 stars). 6 submissions from 6 submitters: Benign (3); Likely benign (3). Last evaluated 2026-01-31.

Conditions:
Hereditary cancer-predisposing syndrome. Also called: Tumor predisposition; Hereditary neoplastic syndrome; Hereditary Cancer Syndrome; Neoplastic Syndromes, Hereditary. Identifiers: Orphanet 140162, MedGen C0027672, MeSH D009386, MONDO:0015356.
Neuroblastoma, susceptibility to, 3. Also called: ALK-Related Neuroblastic Tumor Susceptibility. Identifiers: Orphanet 635, MedGen C2751681, MONDO:0013083, OMIM 613014.

Allele frequency attached by ClinVar (database versions not stated): gnomAD 0.00005 and 0.00031; TOPMed 0.00014; 1000 Genomes Project 0.00180; 1000 Genomes Project 30x 0.00187.
gnomAD v4.1: 833 of 1,614,160 alleles (0.052%); highest among the groups gnomAD compares: South Asian, 0.79%; 7 homozygotes.

Submissions (6):

Labcorp Genetics (formerly Invitae), Labcorp
Classification: Benign for Neuroblastoma, susceptibility to, 3. Last evaluated: 2026-01-31. Review status: criteria provided, single submitter. Criteria: Invitae Variant Classification Sherloc (09022015). Collection method: clinical testing. Allele origin: germline.

KCCC/NGS Laboratory, Kuwait Cancer Control Center
Classification: Benign for Neuroblastoma, susceptibility to, 3. Last evaluated: 2025-02-01. Review status: criteria provided, single submitter. Criteria: ACMG Guidelines, 2015. Collection method: clinical testing. Allele origin: germline. Affected: no.

Blueprint Genetics
Classification: Likely benign. Last evaluated: 2024-11-18. Review status: criteria provided, single submitter. Criteria: ACMG Guidelines, 2015. Collection method: clinical testing. Allele origin: germline.

CeGaT Center for Human Genetics Tuebingen
Classification: Likely benign. Last evaluated: 2024-06-01. Review status: criteria provided, single submitter. Criteria: CeGaT Center For Human Genetics Tuebingen Variant Classification Criteria Version 2. Collection method: clinical testing. Allele origin: germline. Affected: yes. Observed: 2 variant alleles.
Comment: ALK: BP4, BP7

Ambry Genetics
Classification: Likely benign for Hereditary cancer-predisposing syndrome. Last evaluated: 2022-02-15. Review status: criteria provided, single submitter. Criteria: Ambry Variant Classification Scheme 2023. Collection method: clinical testing. Allele origin: germline.

Sema4
Classification: Benign for Hereditary cancer-predisposing syndrome. Last evaluated: 2020-02-24. Review status: criteria provided, single submitter. Criteria: Sema4 Curation Guidelines. Collection method: curation. Allele origin: germline.